The following is an entry in ClinVar:

NM_177438.3(DICER1):c.145-14dup

Gene: DICER1 (dicer 1, ribonuclease III; minus strand). Cytogenetic location: 14q32.13.
Variant type: Duplication.
Coding change: c.145-14dup on transcript NM_177438.3 (MANE Select); 14 bases into the intron before coding-DNA position 145, one base duplicated (C; older notation c.145-14dupC).
Molecular consequence: intron variant.
Genome position (GRCh38, 1-based): chr14:95,132,691, G duplicated on the plus strand (C on the coding strand, the reverse complement: DICER1 is on the minus strand). VCF-style (leftmost placement, unchanged base first): chr14-95132690-T-TG. GRCh37 (hg19) VCF-style: chr14-95599027-T-TG.
Other names: c.145-14dup (NM_001291628.2, NM_030621.4, NM_001271282.3 and 1 more transcripts).
Identifiers: ClinVar variation 1663539 (VCV001663539.10), dbSNP rs754913538, ClinGen allele CA7331723.

ClinVar aggregate classification (germline): Likely benign. Review status: criteria provided, multiple submitters, no conflicts (2 of 4 stars). 2 submissions from 2 submitters: Likely benign (2). Last evaluated 2026-04-10.

Conditions:
DICER1-related tumor predisposition. Also called: DICER1-related pleuropulmonary blastoma cancer predisposition syndrome; DICER1 syndrome. Identifiers: Orphanet 284343, MedGen C3839822, MONDO:0100216.

Allele frequency attached by ClinVar (database versions not stated): TOPMed below 0.00001; ExAC 0.00001; gnomAD 0.00001; gnomAD exomes 0.00001.

Submissions (2):

Myriad Genetics, Inc.
Classification: Likely benign for DICER1-related tumor predisposition. Last evaluated: 2026-04-10. Review status: criteria provided, single submitter. Criteria: Myriad Autosomal Dominant, Autosomal Recessive and X-Linked Classification Criteria (2023). Collection method: clinical testing. Allele origin: unknown.
Comment: This variant is considered likely benign. This variant is intronic and is not expected to impact mRNA splicing.

Labcorp Genetics (formerly Invitae), Labcorp
Classification: Likely benign for DICER1-related tumor predisposition. Last evaluated: 2025-11-03. Review status: criteria provided, single submitter. Criteria: Invitae Variant Classification Sherloc (09022015). Collection method: clinical testing. Allele origin: germline.